The following is an entry in ClinVar:

ClinVar aggregate classification (germline): Uncertain significance (1 of 4 stars; one submission).

Conditions:
Parkinson disease 17 (PARK17). Also called: VPS35-Related Parkinson Disease. Identifiers: Orphanet 411602, MedGen C3280133, MONDO:0013625, OMIM 614203.

Submission:

Labcorp Genetics (formerly Invitae), Labcorp
Classification: Uncertain significance for Parkinson disease 17. Last evaluated: 2022-01-17. Review status: criteria provided, single submitter. Criteria: Invitae Variant Classification Sherloc (09022015). Collection method: clinical testing. Allele origin: germline.
Comment: In summary, the available evidence is currently insufficient to determine the role of this variant in disease. Therefore, it has been classified as a Variant of Uncertain Significance. Algorithms developed to predict the effect of missense changes on protein structure and function are either unavailable or do not agree on the potential impact of this missense change (SIFT: "Deleterious"; PolyPhen-2: "Benign"; Align-GVGD: "Class C0"). This variant has not been reported in the literature in individuals affected with VPS35-related conditions. This variant is not present in population databases (gnomAD no frequency). This sequence change replaces lysine, which is basic and polar, with glutamic acid, which is acidic and polar, at codon 36 of the VPS35 protein (p.Lys36Glu).

NM_018206.6(VPS35):c.106A>G (p.Lys36Glu)

Gene: VPS35 (VPS35 retromer complex component; minus strand). Cytogenetic location: 16q11.2.
Variant type: single nucleotide variant.
Coding change: c.106A>G on transcript NM_018206.6 (MANE Select); coding-DNA position 106, A replaced by G.
Protein change: p.Lys36Glu; replaces lysine 36 with glutamic acid.
Molecular consequence: missense variant.
Genome position (GRCh38, 1-based): chr16:46,682,172, T>C on the plus strand (A>G on the coding strand, the complement: VPS35 is on the minus strand). VCF-style: chr16-46682172-T-C. GRCh37 (hg19) VCF-style: chr16-46716084-T-C.
Other names: short protein forms K36E.
Identifiers: ClinVar variation 2086689 (VCV002086689.4), dbSNP rs2548885790, ClinGen allele CA395815493.